The following is an entry in ClinVar:

ClinVar aggregate classification (germline): Uncertain significance (1 of 4 stars; one submission).

gnomAD v4.1: 29 of 1,614,100 alleles (0.0018%); highest among the groups gnomAD compares: Admixed American, 0.01%; no homozygotes.

Submission:

Labcorp Genetics (formerly Invitae), Labcorp
Classification: Uncertain significance. Last evaluated: 2022-07-16. Review status: criteria provided, single submitter. Criteria: Invitae Variant Classification Sherloc (09022015). Collection method: clinical testing. Allele origin: germline.
Comment: In summary, the available evidence is currently insufficient to determine the role of this variant in disease. Therefore, it has been classified as a Variant of Uncertain Significance. Algorithms developed to predict the effect of missense changes on protein structure and function (SIFT, PolyPhen-2, Align-GVGD) all suggest that this variant is likely to be tolerated. ClinVar contains an entry for this variant (Variation ID: 1391712). This variant has not been reported in the literature in individuals affected with LETM1-related conditions. This variant is present in population databases (rs563564100, gnomAD 0.01%). This sequence change replaces proline, which is neutral and non-polar, with threonine, which is neutral and polar, at codon 143 of the LETM1 protein (p.Pro143Thr).

NM_012318.3(LETM1):c.427C>A (p.Pro143Thr)

Gene: LETM1 (leucine zipper and EF-hand containing transmembrane protein 1; minus strand). Cytogenetic location: 4p16.3.
Variant type: single nucleotide variant.
Coding change: c.427C>A on transcript NM_012318.3 (MANE Select); coding-DNA position 427, C replaced by A.
Protein change: p.Pro143Thr; replaces proline 143 with threonine.
Molecular consequence: missense variant.
Genome position (GRCh38, 1-based): chr4:1,841,514, G>T on the plus strand (C>A on the coding strand, the complement: LETM1 is on the minus strand). VCF-style: chr4-1841514-G-T. GRCh37 (hg19) VCF-style: chr4-1843241-G-T.
Other names: short protein forms P143T.
Identifiers: ClinVar variation 1391712 (VCV001391712.8), dbSNP rs563564100, ClinGen allele CA2811633.